The following is an entry in ClinVar:

NM_139343.3(BIN1):c.1371+322T>G

Gene: BIN1 (bridging integrator 1; minus strand). Cytogenetic location: 2q14.3.
Variant type: single nucleotide variant.
Coding change: c.1371+322T>G on transcript NM_139343.3 (MANE Select); 322 bases into the intron after coding-DNA position 1371, T replaced by G.
Molecular consequence: intron variant.
Genome position (GRCh38, 1-based): chr2:127,051,933, A>C on the plus strand (T>G on the coding strand, the complement: BIN1 is on the minus strand). VCF-style: chr2-127051933-A-C. GRCh37 (hg19) VCF-style: chr2-127809509-A-C.
Other names: c.1290+322T>G (NM_001320642.1); c.838-1021T>G (NM_001320634.1); c.910-1021T>G (NM_139351.3); c.910-690T>G (NM_139350.3); c.1017+322T>G (NM_139349.3); c.1039-690T>G (NM_139348.3); c.1146+322T>G (NM_139347.3); c.1278+322T>G (NM_001320641.2); and 7 more.
Identifiers: ClinVar variation 668878 (VCV000668878.1), dbSNP rs4663090, ClinGen allele CA11082041.
Genomic context (GRCh38, chr2:127,051,933, plus strand): 5'-GTTACTCAACCCTCCTAGCCCCCATCTCCTCATCTGTAAAAGGAGGAAGTGTCTGGCTGT[A>C]AAGGTGATGACGAAGATTAAATGAGAAGATTCTGGAAAGTGCCTGGCATAAACCAGTAGG-3'

ClinVar aggregate classification (germline): Benign (1 of 4 stars; one submission).

Allele frequency attached by ClinVar (database versions not stated): gnomAD 0.33506 and 0.34173; TOPMed 0.34423; 1000 Genomes Project 0.38838; 1000 Genomes Project 30x 0.38913.
gnomAD v4.1: 52,134 of 151,902 alleles (34%); highest among the groups gnomAD compares: South Asian, 50%; 9,242 homozygotes.

Submission:

GeneDx
Classification: Benign. Last evaluated: 2018-06-18. Review status: criteria provided, single submitter. Criteria: GeneDx Variant Classification (06012015). Collection method: clinical testing. Allele origin: germline. Affected: yes.
Comment: This variant is considered likely benign or benign based on one or more of the following criteria: it is a conservative change, it occurs at a poorly conserved position in the protein, it is predicted to be benign by multiple in silico algorithms, and/or has population frequency not consistent with disease.